The following is an entry in ClinVar:

NM_000302.4(PLOD1):c.1811dup (p.Asn604fs)

Gene: PLOD1 (procollagen-lysine,2-oxoglutarate 5-dioxygenase 1; plus strand). Cytogenetic location: 1p36.22.
Variant type: Duplication.
Coding change: c.1811dup on transcript NM_000302.4 (MANE Select); coding-DNA position 1811, one base duplicated (A; older notation c.1811dupA).
Protein change: p.Asn604fs; shifts the reading frame from asparagine 604.
Molecular consequence: frameshift variant.
Genome position (GRCh38, 1-based): chr1:11,970,725, A duplicated; the last of 2 consecutive A bases (chr1:11,970,724-11,970,725); duplicating either gives the same sequence. VCF-style (leftmost placement, unchanged base first): chr1-11970723-G-GA. GRCh37 (hg19) VCF-style: chr1-12030780-G-GA.
Other names: c.1952dup, p.Asn651fs (NM_001316320.2); short protein forms N604fs, N651fs.
Identifiers: ClinVar variation 2843703 (VCV002843703.3), dbSNP rs2522875116, ClinGen allele CA2643332323.

ClinVar aggregate classification (germline): Pathogenic (1 of 4 stars; one submission).

Conditions:
Ehlers-Danlos syndrome, kyphoscoliotic type 1 (EDSKSCL1). Also called: Ehlers-Danlos syndrome, hydroxylysine-deficient; EHLERS-DANLOS SYNDROME, OCULAR-SCOLIOTIC TYPE; EHLERS-DANLOS SYNDROME, TYPE VIA; PLOD1-Related Kyphoscoliotic Ehlers-Danlos Syndrome. Identifiers: Orphanet 1900, MedGen C0268342, MONDO:0016002, OMIM 225400. Disease mechanism: loss of function.

Submission:

Labcorp Genetics (formerly Invitae), Labcorp
Classification: Pathogenic for Ehlers-Danlos syndrome, kyphoscoliotic type 1. Last evaluated: 2023-03-08. Review status: criteria provided, single submitter. Criteria: Invitae Variant Classification Sherloc (09022015). Collection method: clinical testing. Allele origin: germline.
Comment: This variant is not present in population databases (gnomAD no frequency). This variant has not been reported in the literature in individuals affected with PLOD1-related conditions. For these reasons, this variant has been classified as Pathogenic. This sequence change creates a premature translational stop signal (p.Asn604Lysfs*6) in the PLOD1 gene. It is expected to result in an absent or disrupted protein product. Loss-of-function variants in PLOD1 are known to be pathogenic (PMID: 10874315, 21699693).

Literature cited by the submitters: PubMed 10874315; PubMed 21699693.